The following is an entry in ClinVar:

NM_031935.3(HMCN1):c.7816A>G (p.Thr2606Ala)

Gene: HMCN1 (hemicentin 1; plus strand). Cytogenetic location: 1q31.1.
Variant type: single nucleotide variant.
Coding change: c.7816A>G on transcript NM_031935.3 (MANE Select); coding-DNA position 7816, A replaced by G.
Protein change: p.Thr2606Ala; replaces threonine 2606 with alanine.
Molecular consequence: missense variant.
Genome position (GRCh38, 1-based): chr1:186,067,944, A>G. VCF-style: chr1-186067944-A-G. GRCh37 (hg19) VCF-style: chr1-186037076-A-G.
Other names: c.7816A>G (NM_031935.2); short protein forms T2606A.
Identifiers: ClinVar variation 1956587 (VCV001956587.6), dbSNP rs374050497, ClinGen allele CA33461127.

ClinVar aggregate classification (germline): Uncertain significance. Review status: criteria provided, multiple submitters, no conflicts (2 of 4 stars). 2 submissions from 2 submitters: Uncertain significance (2). Last evaluated 2025-09-26.

Allele frequency attached by ClinVar (database versions not stated): gnomAD exomes below 0.00001; gnomAD 0.00007; ESP Exome Variant Server 0.00008; TOPMed 0.00006.
gnomAD v4.1: 17 of 1,613,384 alleles (0.0011%); highest among the groups gnomAD compares: African/African-American, 0.021%; no homozygotes.

Submissions (2):

Labcorp Genetics (formerly Invitae), Labcorp
Classification: Uncertain significance. Last evaluated: 2025-09-26. Review status: criteria provided, single submitter. Criteria: Invitae Variant Classification Sherloc (09022015). Collection method: clinical testing. Allele origin: germline.
Comment: This sequence change replaces threonine, which is neutral and polar, with alanine, which is neutral and non-polar, at codon 2606 of the HMCN1 protein (p.Thr2606Ala). This variant is present in population databases (rs374050497, gnomAD 0.02%). This variant has not been reported in the literature in individuals affected with HMCN1-related conditions. ClinVar contains an entry for this variant (Variation ID: 1956587). An algorithm developed to predict the effect of missense changes on protein structure and function (PolyPhen-2) suggests that this variant is likely to be disruptive. In summary, the available evidence is currently insufficient to determine the role of this variant in disease. Therefore, it has been classified as a Variant of Uncertain Significance.

Ambry Genetics
Classification: Uncertain significance. Last evaluated: 2024-12-31. Review status: criteria provided, single submitter. Criteria: Ambry Variant Classification Scheme 2023. Collection method: clinical testing. Allele origin: germline.